The following is an entry in ClinVar:

ClinVar aggregate classification (germline): Uncertain significance. Review status: criteria provided, multiple submitters, no conflicts (2 of 4 stars). 2 submissions from 2 submitters: Uncertain significance (2). Last evaluated 2025-05-01.

Conditions:
Inborn genetic diseases. Identifiers: MedGen C0950123, MeSH D030342.
T-cell immunodeficiency, congenital alopecia, and nail dystrophy. Also called: Congenital alopecia and nail dystrophy associated with severe functional T-cell immunodeficiency; Pignata Guarino syndrome. Identifiers: Orphanet 169095, MedGen C1866426, MONDO:0011132, OMIM 601705.

Allele frequency attached by ClinVar (database versions not stated): ExAC 0.00003; gnomAD 0.00003 and 0.00004; TOPMed 0.00003; gnomAD exomes 0.00004.
gnomAD v4.1: 290 of 1,613,918 alleles (0.018%); highest among the groups gnomAD compares: Non-Finnish European, 0.024%; no homozygotes.

Submissions (2):

Ambry Genetics
Classification: Uncertain significance for Inborn genetic diseases. Last evaluated: 2025-05-01. Review status: criteria provided, single submitter. Criteria: Ambry Variant Classification Scheme 2023. Collection method: clinical testing. Allele origin: germline.

Labcorp Genetics (formerly Invitae), Labcorp
Classification: Uncertain significance for T-cell immunodeficiency, congenital alopecia, and nail dystrophy. Last evaluated: 2024-03-16. Review status: criteria provided, single submitter. Criteria: Invitae Variant Classification Sherloc (09022015). Collection method: clinical testing. Allele origin: germline.
Comment: This sequence change replaces glutamine, which is neutral and polar, with lysine, which is basic and polar, at codon 217 of the FOXN1 protein (p.Gln217Lys). The frequency data for this variant in the population databases is considered unreliable, as metrics indicate poor data quality at this position in the gnomAD database. This variant has not been reported in the literature in individuals affected with FOXN1-related conditions. ClinVar contains an entry for this variant (Variation ID: 1481080). Advanced modeling of protein sequence and biophysical properties (such as structural, functional, and spatial information, amino acid conservation, physicochemical variation, residue mobility, and thermodynamic stability) performed at Invitae indicates that this missense variant is not expected to disrupt FOXN1 protein function with a negative predictive value of 80%. In summary, the available evidence is currently insufficient to determine the role of this variant in disease. Therefore, it has been classified as a Variant of Uncertain Significance.

NM_001369369.1(FOXN1):c.649C>A (p.Gln217Lys)

Gene: FOXN1 (forkhead box N1; plus strand). Cytogenetic location: 17q11.2.
Variant type: single nucleotide variant.
Coding change: c.649C>A on transcript NM_001369369.1 (MANE Select); coding-DNA position 649, C replaced by A.
Protein change: p.Gln217Lys; replaces glutamine 217 with lysine.
Molecular consequence: missense variant.
Genome position (GRCh38, 1-based): chr17:28,527,311, C>A. VCF-style: chr17-28527311-C-A. GRCh37 (hg19) VCF-style: chr17-26854329-C-A.
Other names: c.649C>A, p.Gln217Lys (NM_003593.3); c.649C>A (NM_003593.2); short protein forms Q217K.
Identifiers: ClinVar variation 1481080 (VCV001481080.5), dbSNP rs759297920, ClinGen allele CA8459286.